The following is an entry in ClinVar:

ClinVar aggregate classification (germline): Likely pathogenic (1 of 4 stars; one submission).

Submission:

Labcorp Genetics (formerly Invitae), Labcorp
Classification: Likely pathogenic. Last evaluated: 2022-06-20. Review status: criteria provided, single submitter. Criteria: Invitae Variant Classification Sherloc (09022015). Collection method: clinical testing. Allele origin: germline.
Comment: In summary, the currently available evidence indicates that the variant is pathogenic, but additional data are needed to prove that conclusively. Therefore, this variant has been classified as Likely Pathogenic. Variants that disrupt the consensus splice site are a relatively common cause of aberrant splicing (PMID: 17576681, 9536098). Algorithms developed to predict the effect of sequence changes on RNA splicing suggest that this variant may disrupt the consensus splice site. This variant has been observed in individual(s) with X-linked hypophosphatemia (PMID: 30682568; Invitae). This variant is not present in population databases (gnomAD no frequency). This sequence change falls in intron 15 of the PHEX gene. It does not directly change the encoded amino acid sequence of the PHEX protein. It affects a nucleotide within the consensus splice site.

Literature cited by the submitters: PubMed 17576681; PubMed 9536098; PubMed 30682568.

NM_000444.6(PHEX):c.1645+4A>G

Gene: PHEX (phosphate regulating endopeptidase X-linked; plus strand). Cytogenetic location: Xp22.11.
Variant type: single nucleotide variant.
Coding change: c.1645+4A>G on transcript NM_000444.6 (MANE Select); 4 bases into the intron after coding-DNA position 1645, A replaced by G.
Molecular consequence: intron variant.
Genome position (GRCh38, 1-based): chrX:22,190,506, A>G. VCF-style: chrX-22190506-A-G. GRCh37 (hg19) VCF-style: chrX-22208623-A-G.
Other names: c.1645+4A>G (NM_001282754.2).
Identifiers: ClinVar variation 2169632 (VCV002169632.4), dbSNP rs2147139133, ClinGen allele CA2580100475.